The following is an entry in ClinVar:

NM_001378414.1(HDAC4):c.3086A>T (p.His1029Leu)

Gene: HDAC4 (histone deacetylase 4; minus strand). Cytogenetic location: 2q37.3.
Variant type: single nucleotide variant.
Coding change: c.3086A>T on transcript NM_001378414.1 (MANE Select); coding-DNA position 3086, A replaced by T.
Protein change: p.His1029Leu; replaces histidine 1029 with leucine.
Molecular consequence: missense variant.
Genome position (GRCh38, 1-based): chr2:239,054,751, T>A on the plus strand (A>T on the coding strand, the complement: HDAC4 is on the minus strand). VCF-style: chr2-239054751-T-A. GRCh37 (hg19) VCF-style: chr2-239976447-T-A.
Other names: c.3086A>T, p.His1029Leu (NM_001378415.1); c.3071A>T, p.His1024Leu (NM_001378416.1, NM_001378417.1, NM_006037.4); c.3005A>T, p.His1002Leu (NM_001435991.1, NM_001435992.1); c.2927A>T, p.His976Leu (NM_001435993.1); short protein forms H1024L, H1029L, H1002L, H976L.
Identifiers: ClinVar variation 4989251 (VCV004989251.1).
Genomic context (GRCh38, chr2:239,054,751, plus strand): 5'-TGGTGCAGTCCCACCCCCAGGGGCGTGTCCCCTGTGAGCACCCAGCCAGGCAACTTACTG[T>A]GGATCTCCATGACTTTCTCCATGGAACGGACAGCGTTTGCATTGGGTCTTTGCTGTAAAA-3'
Protein context (NP_001365343.1, residues 1019-1039): VRSMEKVMEI[His1029Leu]SKYWRCLQRT

ClinVar aggregate classification (germline): Uncertain significance (1 of 4 stars; one submission).

Conditions:
HDAC4-related disorder. Also called: HDAC4-related condition.

gnomAD v4.1: 1 of 1,609,396 alleles (0.000062%); highest among the groups gnomAD compares: Admixed American, 0.0017%; no homozygotes.

Submission:

PreventionGenetics, part of Exact Sciences
Classification: Uncertain significance for HDAC4-related condition. Last evaluated: 2025-07-21. Review status: criteria provided, single submitter. Criteria: ACMG Guidelines, 2015. Collection method: clinical testing. Allele origin: germline.
Comment: The HDAC4 c.3071A>T variant is predicted to result in the amino acid substitution p.His1024Leu. To our knowledge, this variant has not been reported in the literature. This variant is reported in 0.0029% of alleles in individuals of Latino descent in gnomAD. At this time, the clinical significance of this variant is uncertain due to the absence of conclusive functional and genetic evidence.